The following is an entry in ClinVar:

NM_000032.5(ALAS2):c.1160G>C (p.Gly387Ala)

Gene: ALAS2 (5'-aminolevulinate synthase 2; minus strand). Cytogenetic location: Xp11.21.
Variant type: single nucleotide variant.
Coding change: c.1160G>C on transcript NM_000032.5 (MANE Select); coding-DNA position 1160, G replaced by C.
Protein change: p.Gly387Ala; replaces glycine 387 with alanine.
Molecular consequence: missense variant.
Genome position (GRCh38, 1-based): chrX:55,015,586, C>G on the plus strand (G>C on the coding strand, the complement: ALAS2 is on the minus strand). VCF-style: chrX-55015586-C-G. GRCh37 (hg19) VCF-style: chrX-55042019-C-G.
Other names: c.1160G>C, p.Gly387Ala (LRG_1163t1); c.1049G>C, p.Gly350Ala (NM_001037967.4); c.1121G>C, p.Gly374Ala (NM_001037968.4); short protein forms G387A, G374A, G350A.
Identifiers: ClinVar variation 387592 (VCV000387592.2), dbSNP rs1057522832, ClinGen allele CA16609200.

ClinVar aggregate classification (germline): Likely pathogenic (1 of 4 stars; one submission).

Allele frequency attached by ClinVar (database versions not stated): gnomAD exomes below 0.00001.
gnomAD v4.1: 1 of 1,211,372 alleles (0.000083%); highest among the groups gnomAD compares: South Asian, 0.0018%; no homozygotes.

Submission:

GeneDx
Classification: Likely pathogenic. Last evaluated: 2016-07-05. Review status: criteria provided, single submitter. Criteria: GeneDx Variant Classification (06012015). Collection method: clinical testing. Allele origin: germline. Affected: yes.
Comment: The G387A variant in the ALAS2 gene has not been reported previously as a pathogenic variant, nor as a benign variant, to our knowledge. The G387A variant was not observed in approximately 6,500 individuals of European and African American ancestry in the NHLBI Exome Sequencing Project, indicating it is not a common benign variant in these populations. This substitution occurs at a position that is conserved across species, and in silico analysis predicts this variant is probably damaging to the protein structure/function. Missense variants in nearby residues (T388P, T388S, C395Y) have been reported in the Human Gene Mutation Database in association with sideroblastic anemia (Stenson et al., 2014), supporting the functional importance of this region of the protein. However, the G387A variant is conservative amino acid substitution, which is not likely to impact secondary protein structure as these residues share similar properties. The G387A variant is a strong candidate for a pathogenic variant. However, the possibility it may be a rare benign variant cannot be excluded.